The following is an entry in ClinVar:

NM_000046.5(ARSB):c.1337-3T>A

Gene: ARSB (arylsulfatase B; minus strand). Cytogenetic location: 5q14.1.
Variant type: single nucleotide variant.
Coding change: c.1337-3T>A on transcript NM_000046.5 (MANE Select); 3 bases into the intron before coding-DNA position 1337, T replaced by A.
Molecular consequence: intron variant.
Genome position (GRCh38, 1-based): chr5:78,780,665, A>T on the plus strand (T>A on the coding strand, the complement: ARSB is on the minus strand). VCF-style: chr5-78780665-A-T. GRCh37 (hg19) VCF-style: chr5-78076488-A-T.
Identifiers: ClinVar variation 354308 (VCV000354308.21), dbSNP rs183651028, ClinGen allele CA3318000.

ClinVar aggregate classification (germline): Conflicting classifications of pathogenicity. Review status: criteria provided, conflicting classifications (1 of 4 stars). 4 submissions from 4 submitters: Uncertain significance (1); Likely benign (2). 1 of the submissions does not count toward it. Last evaluated 2026-02-01.

Conditions:
Mucopolysaccharidosis type 6 (MPS6). Also called: ARSB DEFICIENCY; ARYLSULFATASE B DEFICIENCY; MPS VI; N-ACETYLGALACTOSAMINE-4-SULFATASE DEFICIENCY; MPS 6; Maroteaux Lamy syndrome. Identifiers: Orphanet 583, MedGen C0026709, MONDO:0009661, OMIM 253200.
ARSB-related disorder. Also called: ARSB-related condition.

Allele frequency attached by ClinVar (database versions not stated): 1000 Genomes Project 30x 0.00031; 1000 Genomes Project 0.00040; TOPMed 0.00045; ESP Exome Variant Server 0.00062; gnomAD 0.00066; gnomAD exomes 0.00070 and 0.00081; ExAC 0.00095.
gnomAD v4.1: 1,121 of 1,614,084 alleles (0.069%); highest among the groups gnomAD compares: Middle Eastern, 0.083%; 3 homozygotes.

Submissions (4):

Labcorp Genetics (formerly Invitae), Labcorp
Classification: Likely benign for Mucopolysaccharidosis type 6. Last evaluated: 2026-02-01. Review status: criteria provided, single submitter. Criteria: Invitae Variant Classification Sherloc (09022015). Collection method: clinical testing. Allele origin: germline.

PreventionGenetics, part of Exact Sciences
Classification: Likely benign for ARSB-related condition. Last evaluated: 2025-01-22. Review status: criteria provided, single submitter. Criteria: ACMG Guidelines, 2015. Collection method: clinical testing. Allele origin: germline.
Comment: This variant is classified as likely benign based on ACMG/AMP sequence variant interpretation guidelines (Richards et al. 2015 PMID: 25741868, with internal and published modifications).

Illumina Laboratory Services, Illumina
Classification: Uncertain significance for Mucopolysaccharidosis type 6. Last evaluated: 2018-01-13. Review status: criteria provided, single submitter. Criteria: ICSL Variant Classification Criteria 13 December 2019. Collection method: clinical testing. Allele origin: germline.

Natera, Inc.
Classification: Likely benign for Mucopolysaccharidosis type VI. Last evaluated: 2020-01-16. Review status: no assertion criteria provided. Collection method: clinical testing. Allele origin: germline. Not counted in ClinVar's aggregate classification.